The following is an entry in ClinVar:

ClinVar aggregate classification (germline): Uncertain significance. Review status: criteria provided, multiple submitters, no conflicts (2 of 4 stars). 2 submissions from 2 submitters: Uncertain significance (2). Last evaluated 2023-02-06.

Conditions:
Cardiovascular phenotype. Identifiers: MedGen CN230736.
DK1-congenital disorder of glycosylation. Also called: DK1 DEFICIENCY; DOLICHOL KINASE DEFICIENCY; DOLK-congenital disorder of glycosylation; Carbohydrate deficient glycoprotein syndrome type 1m; DK1-CDG; CONGENITAL DISORDER OF GLYCOSYLATION, TYPE Im. Identifiers: Orphanet 91131, MedGen C1835849, MONDO:0012556, OMIM 610768.

Allele frequency attached by ClinVar (database versions not stated): TOPMed below 0.00001; gnomAD 0.00001; gnomAD exomes 0.00001 and 0.00002.

Submissions (2):

Ambry Genetics
Classification: Uncertain significance for Cardiovascular phenotype. Last evaluated: 2023-02-06. Review status: criteria provided, single submitter. Criteria: Ambry Variant Classification Scheme 2023. Collection method: clinical testing. Allele origin: germline.
Comment: The p.S158T variant (also known as c.472T>A), located in coding exon 1 of the DOLK gene, results from a T to A substitution at nucleotide position 472. The serine at codon 158 is replaced by threonine, an amino acid with similar properties. This amino acid position is well conserved in available vertebrate species. In addition, this alteration is predicted to be tolerated by in silico analysis. Since supporting evidence is limited at this time, the clinical significance of this alteration remains unclear.

Labcorp Genetics (formerly Invitae), Labcorp
Classification: Uncertain significance for DK1-congenital disorder of glycosylation. Last evaluated: 2022-04-11. Review status: criteria provided, single submitter. Criteria: Invitae Variant Classification Sherloc (09022015). Collection method: clinical testing. Allele origin: germline.
Comment: This sequence change replaces serine, which is neutral and polar, with threonine, which is neutral and polar, at codon 158 of the DOLK protein (p.Ser158Thr). This variant is present in population databases (no rsID available, gnomAD 0.002%). This variant has not been reported in the literature in individuals affected with DOLK-related conditions. Algorithms developed to predict the effect of missense changes on protein structure and function (SIFT, PolyPhen-2, Align-GVGD) all suggest that this variant is likely to be tolerated. In summary, the available evidence is currently insufficient to determine the role of this variant in disease. Therefore, it has been classified as a Variant of Uncertain Significance.

NM_014908.4(DOLK):c.472T>A (p.Ser158Thr)

Gene: DOLK (dolichol kinase; minus strand). Cytogenetic location: 9q34.11.
Variant type: single nucleotide variant.
Coding change: c.472T>A on transcript NM_014908.4 (MANE Select); coding-DNA position 472, T replaced by A.
Protein change: p.Ser158Thr; replaces serine 158 with threonine.
Molecular consequence: missense variant.
Genome position (GRCh38, 1-based): chr9:128,946,832, A>T on the plus strand (T>A on the coding strand, the complement: DOLK is on the minus strand). VCF-style: chr9-128946832-A-T. GRCh37 (hg19) VCF-style: chr9-131709111-A-T.
Other names: c.472T>A (NM_014908.3); short protein forms S158T.
Identifiers: ClinVar variation 1368651 (VCV001368651.7), dbSNP rs1246967572, ClinGen allele CA375125435.